The following is an entry in ClinVar:

NM_020738.4(KIDINS220):c.4448C>G (p.Ser1483Ter)

Gene: KIDINS220 (kinase D interacting substrate 220; minus strand). Cytogenetic location: 2p25.1.
Variant type: single nucleotide variant.
Coding change: c.4448C>G on transcript NM_020738.4 (MANE Select); coding-DNA position 4448, C replaced by G.
Protein change: p.Ser1483Ter; replaces serine 1483 with a stop codon.
Molecular consequence: nonsense. On other transcripts: intron variant (6).
Genome position (GRCh38, 1-based): chr2:8,731,588, G>C on the plus strand (C>G on the coding strand, the complement: KIDINS220 is on the minus strand). VCF-style: chr2-8731588-G-C. GRCh37 (hg19) VCF-style: chr2-8871718-G-C.
Other names: c.4451C>G, p.Ser1484Ter (NM_001348729.2); c.3885+1856C>G (NM_001348740.2, NM_001348739.2); c.4394C>G, p.Ser1465Ter (NM_001348731.2); c.4391C>G, p.Ser1464Ter (NM_001348732.2); c.4280C>G, p.Ser1427Ter (NM_001348734.2); c.4277C>G, p.Ser1426Ter (NM_001348735.2); c.4151C>G, p.Ser1384Ter (NM_001348736.2); c.3882+1856C>G (NM_001348741.2, NM_001348742.2, NM_001348743.2); and 1 more; short protein forms S1384*, S1426*, S1427*, S1464*, S1465*, S1483*, S1484*.
Identifiers: ClinVar variation 4854956 (VCV004854956.1).

ClinVar aggregate classification (germline): Likely pathogenic (1 of 4 stars; one submission).

Conditions:
Spastic paraplegia, intellectual disability, nystagmus, and obesity. Also called: Spastic paraplegia, intellectual disability, nystagmus, and obesity;. Identifiers: Orphanet 521390, MedGen C4284592, MONDO:0015007, OMIM 617296.

Submission:

3billion
Classification: Likely pathogenic for Spastic paraplegia, intellectual disability, nystagmus, and obesity. Last evaluated: 2025-07-10. Review status: criteria provided, single submitter. Criteria: ACMG Guidelines, 2015. Collection method: clinical testing. Allele origin: germline. Affected: yes.
Comment: The variant is not observed in the gnomAD v4.1.0 dataset. Predicted Consequence/Location: Stop-gained (nonsense): predicted to result in a loss or disruption of normal protein function through protein truncation. The predicted truncated protein may be shortened by more than 10%. The variant has been reported to co-segregate with the disease in at least 5 similarly affected relatives/individuals in the same family or similarly affected unrelated families (PMID: 31630374). The variant has been reported to be associated with KIDINS220-related disorder (PMID: 31630374). Therefore, this variant is classified as Likely pathogenic according to the recommendation of ACMG/AMP guideline.

Literature cited by the submitters: PubMed 31630374.